The following is an entry in ClinVar:

NM_001127222.2(CACNA1A):c.3265G>A (p.Gly1089Ser)

Gene: CACNA1A (calcium voltage-gated channel subunit alpha1 A; minus strand). Cytogenetic location: 19p13.13.
Variant type: single nucleotide variant.
Coding change: c.3265G>A on transcript NM_001127222.2 (MANE Select); coding-DNA position 3265, G replaced by A.
Protein change: p.Gly1089Ser; replaces glycine 1089 with serine.
Molecular consequence: missense variant.
Genome position (GRCh38, 1-based): chr19:13,286,791, C>T on the plus strand (G>A on the coding strand, the complement: CACNA1A is on the minus strand). VCF-style: chr19-13286791-C-T. GRCh37 (hg19) VCF-style: chr19-13397605-C-T.
Other names: c.3277G>A, p.Gly1093Ser (NM_000068.4, NM_023035.3); c.3268G>A, p.Gly1090Ser (NM_001127221.2, NM_001174080.2); short protein forms G1090S, G1093S, G1089S.
Identifiers: ClinVar variation 590019 (VCV000590019.52), dbSNP rs201311000, ClinGen allele CA9240372.

ClinVar aggregate classification (germline): Conflicting classifications of pathogenicity. Review status: criteria provided, conflicting classifications (1 of 4 stars). 5 submissions from 5 submitters: Uncertain significance (2); Likely benign (3). Last evaluated 2025-10-01.

Conditions:
Episodic ataxia type 2 (EA2). Also called: ATAXIA, EPISODIC, WITH NYSTAGMUS; ATAXIA, FAMILIAL PAROXYSMAL; ACETAZOLAMIDE-RESPONSIVE HEREDITARY PAROXYSMAL CEREBELLAR ATAXIA; CEREBELLAR ATAXIA, PAROXYSMAL, ACETAZOLAMIDE-RESPONSIVE; CEREBELLOPATHY, HEREDITARY PAROXYSMAL; EPISODIC ATAXIA, NYSTAGMUS-ASSOCIATED. Identifiers: Orphanet 97, MedGen C1720416, MONDO:0007163, OMIM 108500.
Developmental and epileptic encephalopathy, 42 (DEE42A). Also called: DEVELOPMENTAL AND EPILEPTIC ENCEPHALOPATHY 42A; EPILEPTIC ENCEPHALOPATHY, EARLY INFANTILE, 42A; Epileptic encephalopathy, early infantile, 42. Identifiers: MedGen C4310716, MONDO:0014917, OMIM 617106.
Inborn genetic diseases. Identifiers: MedGen C0950123, MeSH D030342.

Allele frequency attached by ClinVar (database versions not stated): TOPMed 0.00006; 1000 Genomes Project 0.00020; 1000 Genomes Project 30x 0.00031.
gnomAD v4.1: 62 of 1,612,540 alleles (0.0038%); highest among the groups gnomAD compares: East Asian, 0.065%; no homozygotes.

Submissions (5):

Labcorp Genetics (formerly Invitae), Labcorp
Classification: Likely benign for Developmental and epileptic encephalopathy, 42; Episodic ataxia type 2. Last evaluated: 2025-10-01. Review status: criteria provided, single submitter. Criteria: Invitae Variant Classification Sherloc (09022015). Collection method: clinical testing. Allele origin: germline.

CeGaT Center for Human Genetics Tuebingen
Classification: Uncertain significance. Last evaluated: 2025-09-01. Review status: criteria provided, single submitter. Criteria: CeGaT Center For Human Genetics Tuebingen Variant Classification Criteria Version 2. Collection method: clinical testing. Allele origin: germline. Affected: yes. Observed: 1 variant allele.

Ambry Genetics
Classification: Likely benign for Inborn genetic diseases. Last evaluated: 2025-02-13. Review status: criteria provided, single submitter. Criteria: Ambry Variant Classification Scheme 2023. Collection method: clinical testing. Allele origin: germline.

GeneDx
Classification: Likely benign. Last evaluated: 2019-12-24. Review status: criteria provided, single submitter. Criteria: GeneDx Variant Classification Process June 2021. Collection method: clinical testing. Allele origin: germline. Affected: yes.
Comment: In silico analysis, which includes protein predictors and evolutionary conservation, supports a deleterious effect; Has not been previously published as pathogenic or benign to our knowledge; This variant is associated with the following publications: (PMID: 31719132)

Institute of Human Genetics, University Hospital of Duesseldorf
Classification: Uncertain significance for Developmental and epileptic encephalopathy, 42. Review status: criteria provided, single submitter. Criteria: ACMG Guidelines, 2015. Collection method: not provided. Allele origin: germline. Inheritance: Autosomal dominant inheritance. Affected: yes.